The following is an entry in ClinVar:

NM_024426.6(WT1):c.202G>C (p.Gly68Arg)

Genes: WT1 (WT1 transcription factor; minus strand), LOC107982234 (WT1/WT1-AS bi-directional promoter region; plus strand). Cytogenetic location: 11p13.
Variant type: single nucleotide variant.
Coding change: c.202G>C on transcript NM_024426.6 (MANE Select); coding-DNA position 202, G replaced by C.
Protein change: p.Gly68Arg; replaces glycine 68 with arginine.
Molecular consequence: missense variant. On other transcripts: non-coding transcript variant (1).
Genome position (GRCh38, 1-based): chr11:32,435,159, C>G on the plus strand (G>C on the coding strand, the complement: WT1 is on the minus strand). VCF-style: chr11-32435159-C-G. GRCh37 (hg19) VCF-style: chr11-32456705-C-G.
Other names: c.202G>C, p.Gly68Arg (NM_000378.6, NM_024424.5); c.187G>C (NM_024426.4); short protein forms G68R.
Identifiers: ClinVar variation 1057250 (VCV001057250.14), dbSNP rs1353446740, ClinGen allele CA379966172.

ClinVar aggregate classification (germline): Uncertain significance. Review status: criteria provided, multiple submitters, no conflicts (2 of 4 stars). 2 submissions from 2 submitters: Uncertain significance (2). Last evaluated 2025-08-22.

Conditions:
Frasier syndrome. Identifiers: Orphanet 347, MedGen C0950122, MeSH D052159, MONDO:0007635, OMIM 136680.
Wilms tumor 1 (WT1). Also called: Wilms tumor, somatic. Identifiers: Orphanet 654, MedGen CN033288, MONDO:0008679, OMIM 194070.
11p partial monosomy syndrome (WAGR). Also called: WAGR Complex; CHROMOSOME 11p13 DELETION SYNDROME; WAGR syndrome; WAGR Spectrum Disorder. Identifiers: Orphanet 893, MedGen C0206115, MONDO:0008681, OMIM 194072.
Drash syndrome (DDS). Also called: NEPHROPATHY, WILMS TUMOR, AND GENITAL ANOMALIES; WILMS TUMOR AND PSEUDO- OR TRUE HERMAPHRODITISM. Identifiers: Orphanet 220, MedGen C0950121, MONDO:0008682, OMIM 194080.
Inborn genetic diseases. Identifiers: MedGen C0950123, MeSH D030342.

Submissions (2):

Ambry Genetics
Classification: Uncertain significance for Inborn genetic diseases. Last evaluated: 2025-08-22. Review status: criteria provided, single submitter. Criteria: Ambry Variant Classification Scheme 2023. Collection method: clinical testing. Allele origin: germline.
Comment: The p.G63R variant (also known as c.187G>C), located in coding exon 1 of the WT1 gene, results from a G to C substitution at nucleotide position 187. The glycine at codon 63 is replaced by arginine, an amino acid with dissimilar properties. This amino acid position is conserved. In addition, this alteration is predicted to be tolerated by in silico analysis. Based on the available evidence, the clinical significance of this variant remains unclear.

Labcorp Genetics (formerly Invitae), Labcorp
Classification: Uncertain significance for Wilms tumor 1; Drash syndrome; 11p partial monosomy syndrome; Frasier syndrome. Last evaluated: 2020-02-05. Review status: criteria provided, single submitter. Criteria: Invitae Variant Classification Sherloc (09022015). Collection method: clinical testing. Allele origin: germline.
Comment: In summary, the available evidence is currently insufficient to determine the role of this variant in disease. Therefore, it has been classified as a Variant of Uncertain Significance. Algorithms developed to predict the effect of missense changes on protein structure and function are either unavailable or do not agree on the potential impact of this missense change (SIFT: "Deleterious"; PolyPhen-2: "Benign"; Align-GVGD: "Class C0"). This variant has not been reported in the literature in individuals with WT1-related conditions. The frequency data for this variant in the population databases is considered unreliable, as metrics indicate insufficient coverage at this position in the ExAC database. This sequence change replaces glycine with arginine at codon 63 of the WT1 protein (p.Gly63Arg). The glycine residue is weakly conserved and there is a moderate physicochemical difference between glycine and arginine.